The following is an entry in ClinVar:

ClinVar aggregate classification (germline): Uncertain significance (1 of 4 stars; one submission).

Submission:

Labcorp Genetics (formerly Invitae), Labcorp
Classification: Uncertain significance. Last evaluated: 2024-03-16. Review status: criteria provided, single submitter. Criteria: Invitae Variant Classification Sherloc (09022015). Collection method: clinical testing. Allele origin: germline.
Comment: This sequence change replaces isoleucine, which is neutral and non-polar, with threonine, which is neutral and polar, at codon 1030 of the GUCY2C protein (p.Ile1030Thr). This variant is not present in population databases (gnomAD no frequency). This variant has not been reported in the literature in individuals affected with GUCY2C-related conditions. An algorithm developed to predict the effect of missense changes on protein structure and function (PolyPhen-2) suggests that this variant is likely to be tolerated. In summary, the available evidence is currently insufficient to determine the role of this variant in disease. Therefore, it has been classified as a Variant of Uncertain Significance.

NM_004963.4(GUCY2C):c.3089T>C (p.Ile1030Thr)

Genes: GUCY2C (guanylate cyclase 2C; minus strand), PLBD1-AS1 (PLBD1 antisense RNA 1; plus strand). Cytogenetic location: 12p12.3.
Variant type: single nucleotide variant.
Coding change: c.3089T>C on transcript NM_004963.4 (MANE Select); coding-DNA position 3089, T replaced by C.
Protein change: p.Ile1030Thr; replaces isoleucine 1030 with threonine.
Molecular consequence: missense variant.
Genome position (GRCh38, 1-based): chr12:14,613,250, A>G on the plus strand (T>C on the coding strand, the complement: GUCY2C is on the minus strand). VCF-style: chr12-14613250-A-G. GRCh37 (hg19) VCF-style: chr12-14766184-A-G.
Other names: short protein forms I1030T.
Identifiers: ClinVar variation 3646390 (VCV003646390.2).